The following is an entry in ClinVar:

ClinVar aggregate classification (germline): Conflicting classifications of pathogenicity. Review status: criteria provided, conflicting classifications (1 of 4 stars). 17 submissions from 13 submitters: Uncertain significance (2); Benign (8); Likely benign (4). 3 of the submissions do not count toward it. Last evaluated 2025-08-18.

Conditions:
Dilated cardiomyopathy 1G (CMD1G). Identifiers: Orphanet 154, MedGen C1858763, MONDO:0011400, OMIM 604145.
Autosomal recessive limb-girdle muscular dystrophy type 2J (LGMDR10). Also called: MUSCULAR DYSTROPHY, LIMB-GIRDLE, AUTOSOMAL RECESSIVE 10; Limb-girdle muscular dystrophy, type 2J. Identifiers: Orphanet 140922, MedGen C1837342, MONDO:0012127, OMIM 608807.
Early-onset myopathy with fatal cardiomyopathy (CMYO5). Also called: CONGENITAL MYOPATHY 5 WITH CARDIOMYOPATHY; Salih Myopathy. Identifiers: Orphanet 289377, MedGen C2673677, MONDO:0012714, OMIM 611705. Disease mechanism: loss of function.
Myopathy, myofibrillar, 9, with early respiratory failure (MFM9). Also called: Myopathy, distal, with early respiratory failure, autosomal dominant; Hereditary myopathy with early respiratory failure; MYOPATHY, PROXIMAL, WITH EARLY RESPIRATORY MUSCLE INVOLVEMENT; EDSTROM MYOPATHY. Identifiers: Orphanet 178464, Orphanet 34521, MedGen C1863599, MONDO:0011362, OMIM 603689.
Primary dilated cardiomyopathy (DCM). Also called: Dilated Cardiomyopathy. Identifiers: Orphanet 217604, MedGen C0007193, MeSH D002311, MONDO:0005021, HP:0001644. Inheritance: Various modes of inheritance.
Tibial muscular dystrophy (TMD). Also called: Udd Distal Myopathy – Tibial Muscular Dystrophy; Tibial muscular dystrophy, tardive; UDD MYOPATHY. Identifiers: Orphanet 609, MedGen C1838244, MONDO:0010870, OMIM 600334.

Allele frequency attached by ClinVar (database versions not stated): gnomAD 0.00143; TOPMed 0.00105; gnomAD exomes 0.00267 and 0.00284; 1000 Genomes Project 30x 0.00609.

Submissions (17):

Labcorp Genetics (formerly Invitae), Labcorp
Classification: Benign for Dilated cardiomyopathy 1G; Autosomal recessive limb-girdle muscular dystrophy type 2J. Last evaluated: 2025-08-18. Review status: criteria provided, single submitter. Criteria: Invitae Variant Classification Sherloc (09022015). Collection method: clinical testing. Allele origin: germline.

Molecular Diagnostic Laboratory for Inherited Cardiovascular Disease, Montreal Heart Institute
Classification: Benign. Last evaluated: 2025-04-09. Review status: criteria provided, single submitter. Criteria: ACMG Guidelines, 2015. Collection method: clinical testing. Allele origin: germline. Affected: no.

Blueprint Genetics
Classification: Likely benign. Last evaluated: 2024-11-26. Review status: criteria provided, single submitter. Criteria: ACMG Guidelines, 2015. Collection method: clinical testing. Allele origin: germline.

Women's Health and Genetics/Laboratory Corporation of America, LabCorp
Classification: Benign. Last evaluated: 2023-06-01. Review status: criteria provided, single submitter. Criteria: LabCorp Variant Classification Summary - May 2015. Collection method: clinical testing. Allele origin: germline.
Comment: Variant summary: TTN c.31720C>T (p.Pro10574Ser) results in a non-conservative amino acid change located in the I-band region of the encoded protein sequence. Three of five in-silico tools predict a damaging effect of the variant on protein function. The variant allele was found at a frequency of 0.0028 in 51728 control chromosomes, predominantly at a frequency of 0.02 within the South Asian subpopulation in the gnomAD database, including 6 homozygotes. The observed variant frequency within South Asian control individuals in the gnomAD database is approximately 31.99 fold of the estimated maximal expected allele frequency for a pathogenic variant in TTN causing Cardiomyopathy phenotype (0.00063), strongly suggesting that the variant is a benign polymorphism found primarily in populations of South Asian origin. c.31720C>T has been reported in the literature in individuals affected with Cardiomyopathy (e.g., Pughes_2014), and at least one case of sudden unexplained death (e.g., Sanchez_2016), however without strong evidence for causality in all cases. These reports therefore do not provide unequivocal conclusions about association of the variant with Cardiomyopathy. To our knowledge, no experimental evidence demonstrating an impact on protein function has been reported. The following publications have been ascertained in the context of this evaluation (PMID: 24503780, 27930701). Eight ClinVar submitters (evaluation after 2014) have cited the variant with conflicting assessments (benign, n = 5; likely benign, n = 2; VUS, n = 1). Based on the evidence outlined above, the variant was classified as benign.

GeneDx
Classification: Benign. Last evaluated: 2018-06-18. Review status: criteria provided, single submitter. Criteria: GeneDx Variant Classification (06012015). Collection method: clinical testing. Allele origin: germline. Affected: yes.
Comment: This variant is considered likely benign or benign based on one or more of the following criteria: it is a conservative change, it occurs at a poorly conserved position in the protein, it is predicted to be benign by multiple in silico algorithms, and/or has population frequency not consistent with disease.

Eurofins Ntd Llc (ga)
Classification: Benign. Last evaluated: 2018-06-14. Review status: criteria provided, single submitter. Criteria: EGL ClinVar v180209 classification definitions. Collection method: clinical testing. Allele origin: germline. Observed: 4 variant alleles, 2 heterozygotes.

Laboratory for Molecular Medicine, Mass General Brigham Personalized Medicine
Classification: Benign. Last evaluated: 2017-10-23. Review status: criteria provided, single submitter. Criteria: LMM Criteria. Collection method: clinical testing. Allele origin: germline. Observed: 10 variant alleles.
Comment: The p.Pro10574Ser variant has been identified in 2% (101/5052) of South Asian c hromosomes, including 6 homozygotes, by the Genome Aggregation Database (gnomAD). BA1

Illumina Laboratory Services, Illumina
Classification: Benign for Tibial muscular dystrophy. Last evaluated: 2017-05-25. Review status: criteria provided, single submitter. Criteria: ICSL Variant Classification Criteria 13 December 2019. Collection method: clinical testing. Allele origin: germline.
Comment: This variant was observed as part of a predisposition screen in an ostensibly healthy population. A literature search was performed for the gene, cDNA change, and amino acid change (where applicable). Publications were found based on this search. The evidence from the literature, in combination with allele frequency data from public databases where available, was sufficient to rule this variant out of causing disease. Therefore, this variant is classified as benign.

Illumina Laboratory Services, Illumina
Classification: Uncertain significance for Autosomal recessive limb-girdle muscular dystrophy type 2J. Last evaluated: 2017-05-25. Review status: criteria provided, single submitter. Criteria: ICSL Variant Classification Criteria 13 December 2019. Collection method: clinical testing. Allele origin: germline.
Comment: This variant was observed as part of a predisposition screen in an ostensibly healthy population. A literature search was performed for the gene, cDNA change, and amino acid change (where applicable). Publications were found based on this search. However, the evidence from the literature, in combination with allele frequency data from public databases where available, was not sufficient to rule this variant in or out of causing disease. Therefore, this variant is classified as a variant of unknown significance.

Illumina Laboratory Services, Illumina
Classification: Benign for Myopathy, myofibrillar, 9, with early respiratory failure. Last evaluated: 2017-05-25. Review status: criteria provided, single submitter. Criteria: ICSL Variant Classification Criteria 13 December 2019. Collection method: clinical testing. Allele origin: germline.
Comment: the same text as in the submission from Illumina Laboratory Services, Illumina above.

Illumina Laboratory Services, Illumina
Classification: Likely benign for Dilated cardiomyopathy 1G. Last evaluated: 2017-05-25. Review status: criteria provided, single submitter. Criteria: ICSL Variant Classification Criteria 13 December 2019. Collection method: clinical testing. Allele origin: germline.
Comment: This variant was observed as part of a predisposition screen in an ostensibly healthy population. A literature search was performed for the gene, cDNA change, and amino acid change (where applicable). Publications were found based on this search. The evidence from the literature, in combination with allele frequency data from public databases where available, was sufficient to determine this variant is unlikely to cause disease. Therefore, this variant is classified as likely benign.

Illumina Laboratory Services, Illumina
Classification: Likely benign for Early-onset myopathy with fatal cardiomyopathy. Last evaluated: 2017-05-25. Review status: criteria provided, single submitter. Criteria: ICSL Variant Classification Criteria 13 December 2019. Collection method: clinical testing. Allele origin: germline.
Comment: the same text as in the submission from Illumina Laboratory Services, Illumina above.

Center for Advanced Laboratory Medicine, UC San Diego Health, University of California San Diego
Classification: Likely benign for Dilated cardiomyopathy. Last evaluated: 2017-02-28. Review status: criteria provided, single submitter. Criteria: ACMG Guidelines, 2015. Collection method: clinical testing. Allele origin: germline. Affected: yes. Observed: 1 variant allele.

Biesecker Lab/Clinical Genomics Section, National Institutes of Health
Classification: Uncertain significance. Last evaluated: 2013-06-24. Review status: criteria provided, single submitter. Criteria: Ng et al. (Circ Cardiovasc Genet. 2013). Collection method: research. Allele origin: unknown. Observed: 1 variant allele. Study: ClinSeq.
Comment: The study set was not selected for affection status in relation to any cancer. Pathogenicity categories were based on literature curation. See Pubmed ID:23861362 for details.

Medical sequencing

Clinical Genetics DNA and cytogenetics Diagnostics Lab, Erasmus MC, Erasmus Medical Center
Classification: Benign. Review status: no assertion criteria provided. Collection method: clinical testing. Allele origin: germline. Affected: yes. Study: VKGL Data-share Consensus. Not counted in ClinVar's aggregate classification.

Clinical Genetics, Academic Medical Center
Classification: Benign. Review status: no assertion criteria provided. Collection method: clinical testing. Allele origin: germline. Affected: yes. Study: VKGL Data-share Consensus. Not counted in ClinVar's aggregate classification.

Laboratory of Diagnostic Genome Analysis, Leiden University Medical Center (LUMC)
Classification: Likely benign. Review status: no assertion criteria provided. Collection method: clinical testing. Allele origin: germline. Affected: yes. Study: VKGL Data-share Consensus. Not counted in ClinVar's aggregate classification.

Literature cited by the submitters: PubMed 24503780 (cited by Women's Health and Genetics/Laboratory Corporation of America, LabCorp); PubMed 27930701 (cited by Women's Health and Genetics/Laboratory Corporation of America, LabCorp and Illumina Laboratory Services, Illumina); PubMed 23861362 (cited by Illumina Laboratory Services, Illumina); PubMed 23757202 (cited by Illumina Laboratory Services, Illumina).

NM_001267550.2(TTN):c.37432C>T (p.Pro12478Ser)

Gene: TTN (titin; minus strand). Cytogenetic location: 2q31.2.
Variant type: single nucleotide variant.
Coding change: c.37432C>T on transcript NM_001267550.2 (MANE Select); coding-DNA position 37432, C replaced by T.
Protein change: p.Pro12478Ser; replaces proline 12478 with serine.
Molecular consequence: missense variant. On other transcripts: intron variant (3).
Genome position (GRCh38, 1-based): chr2:178,659,026, G>A on the plus strand (C>T on the coding strand, the complement: TTN is on the minus strand). VCF-style: chr2-178659026-G-A. GRCh37 (hg19) VCF-style: chr2-179523753-G-A.
Other names: c.34501C>T, p.Pro11501Ser (NM_001256850.1); c.31720C>T, p.Pro10574Ser (NM_133378.4); c.13283-16709C>T (NM_003319.4); c.13859-16709C>T (NM_133437.4); c.13658-16709C>T (NM_133432.3); short protein forms P12478S, P10574S, P11501S.
Identifiers: ClinVar variation 46915 (VCV000046915.32), dbSNP rs200992277, ClinGen allele CA139513.